The following is an entry in ClinVar:

ClinVar aggregate classification (germline): Likely benign (1 of 4 stars; one submission).

Allele frequency attached by ClinVar (database versions not stated): gnomAD exomes below 0.00001 and 0.00001; TOPMed below 0.00001; ExAC 0.00002.
gnomAD v4.1: 3 of 1,614,236 alleles (0.00019%); highest among the groups gnomAD compares: Admixed American, 0.0033%; no homozygotes.

Submission:

GeneDx
Classification: Likely benign. Last evaluated: 2021-01-28. Review status: criteria provided, single submitter. Criteria: GeneDx Variant Classification Process June 2021. Collection method: clinical testing. Allele origin: germline. Affected: yes.
Comment: Has not been previously published as pathogenic or benign to our knowledge; In silico analysis supports that this missense variant does not alter protein structure/function

NM_015100.4(POGZ):c.3034G>A (p.Ala1012Thr)

Gene: POGZ (pogo transposable element derived with ZNF domain; minus strand). Cytogenetic location: 1q21.3.
Variant type: single nucleotide variant.
Coding change: c.3034G>A on transcript NM_015100.4 (MANE Select); coding-DNA position 3034, G replaced by A.
Protein change: p.Ala1012Thr; replaces alanine 1012 with threonine.
Molecular consequence: missense variant.
Genome position (GRCh38, 1-based): chr1:151,406,001, C>T on the plus strand (G>A on the coding strand, the complement: POGZ is on the minus strand). VCF-style: chr1-151406001-C-T. GRCh37 (hg19) VCF-style: chr1-151378477-C-T.
Other names: c.3007G>A, p.Ala1003Thr (NM_001194937.2); c.2848G>A, p.Ala950Thr (NM_001194938.2); c.2749G>A, p.Ala917Thr (NM_145796.4); c.2875G>A, p.Ala959Thr (NM_207171.2); short protein forms A1003T, A1012T, A917T, A950T, A959T.
Identifiers: ClinVar variation 1201507 (VCV001201507.3), dbSNP rs781040090, ClinGen allele CA1091016.